The following is an entry in ClinVar:

NM_001378778.1(MPDZ):c.3233C>T (p.Ser1078Phe)

Gene: MPDZ (multiple PDZ domain crumbs cell polarity complex component; minus strand). Cytogenetic location: 9p23.
Variant type: single nucleotide variant.
Coding change: c.3233C>T on transcript NM_001378778.1 (MANE Select); coding-DNA position 3233, C replaced by T.
Protein change: p.Ser1078Phe; replaces serine 1078 with phenylalanine.
Molecular consequence: missense variant.
Genome position (GRCh38, 1-based): chr9:13,168,387, G>A on the plus strand (C>T on the coding strand, the complement: MPDZ is on the minus strand). VCF-style: chr9-13168387-G-A. GRCh37 (hg19) VCF-style: chr9-13168386-G-A.
Other names: c.3233C>T, p.Ser1078Phe (NM_001261406.2, NM_001261407.2, NM_001330637.2 and 14 more transcripts); short protein forms S1078F.
Identifiers: ClinVar variation 3603169 (VCV003603169.1).
Genomic context (GRCh38, chr9:13,168,387, plus strand): 5'-GAATTTCCCAAGTTAAACTGGGCTTCAAATGATACTTACTTTATGTCAGGGCCAATGAGA[G>A]AATGTCTTCTCAACATAGCTCGTGCCTGGGCATTGGTTACACTGATGGTAGACTCTTCAT-3'
Protein context (NP_001365707.1, residues 1068-1088): AQARAMLRRH[Ser1078Phe]LIGPDIKITY

ClinVar aggregate classification (germline): Uncertain significance (1 of 4 stars; one submission).

gnomAD v4.1: 1 of 1,613,010 alleles (0.000062%); highest among the groups gnomAD compares: Non-Finnish European, 0.000085%; no homozygotes.

Submission:

GeneDx
Classification: Uncertain significance. Last evaluated: 2024-08-04. Review status: criteria provided, single submitter. Criteria: GeneDx Variant Classification Process June 2021. Collection method: clinical testing. Allele origin: germline. Affected: yes.
Comment: Not observed at significant frequency in large population cohorts (gnomAD); In silico analysis supports that this missense variant has a deleterious effect on protein structure/function; Has not been previously published as pathogenic or benign to our knowledge